The following is an entry in ClinVar:

ClinVar aggregate classification (germline): Uncertain significance. Review status: criteria provided, multiple submitters, no conflicts (2 of 4 stars). 2 submissions from 2 submitters: Uncertain significance (2). Last evaluated 2026-01-05.

Conditions:
Nemaline myopathy 6 (NEM6). Also called: Nemaline myopathy 6, autosomal dominant. Identifiers: Orphanet 171439, MedGen C1836472, MONDO:0012237, OMIM 609273.

Submissions (2):

Human Genetics Bochum, Ruhr University Bochum
Classification: Uncertain significance for Nemaline myopathy 6. Last evaluated: 2026-01-05. Review status: criteria provided, single submitter. Criteria: ACMG Guidelines, 2015. Collection method: clinical testing. Allele origin: germline. Affected: yes.
Comment: ACMG criteria used to clasify this variant: PM1_SUP, PM2_SUP, PP1

Labcorp Genetics (formerly Invitae), Labcorp
Classification: Uncertain significance for Nemaline myopathy 6. Last evaluated: 2021-03-26. Review status: criteria provided, single submitter. Criteria: Invitae Variant Classification Sherloc (09022015). Collection method: clinical testing. Allele origin: germline.
Comment: In summary, the available evidence is currently insufficient to determine the role of this variant in disease. Therefore, it has been classified as a Variant of Uncertain Significance. Experimental studies and prediction algorithms are not available or were not evaluated, and the functional significance of this variant is currently unknown. This variant has not been reported in the literature in individuals with KBTBD13-related conditions. The frequency data for this variant in the population databases is not available, as this variant may be reported as separate entries in the ExAC database. This sequence change replaces valine with leucine at codon 26 of the KBTBD13 protein (p.Val26Leu). The valine residue is weakly conserved and there is a small physicochemical difference between valine and leucine.

NM_001101362.3(KBTBD13):c.75_76delinsCT (p.Val26Leu)

Gene: KBTBD13 (kelch repeat and BTB domain containing 13; plus strand). Cytogenetic location: 15q22.31.
Variant type: Indel.
Coding change: c.75_76delinsCT on transcript NM_001101362.3 (MANE Select); coding-DNA positions 75 to 76, GG replaced by CT.
Protein change: p.Val26Leu; replaces valine 26 with leucine.
Molecular consequence: missense variant.
Genome position (GRCh38, 1-based): chr15:65,076,890-65,076,891, GG replaced by CT. VCF-style: chr15-65076890-GG-CT. GRCh37 (hg19) VCF-style: chr15-65369228-GG-CT.
Other names: short protein forms V26L.
Identifiers: ClinVar variation 1420272 (VCV001420272.7), dbSNP rs2140543014, ClinGen allele CA2573151045.